The following is an entry in ClinVar:

ClinVar aggregate classification (germline): Conflicting classifications of pathogenicity. Review status: criteria provided, conflicting classifications (1 of 4 stars). 4 submissions from 4 submitters: Uncertain significance (1); Likely benign (3). Last evaluated 2026-02-01.

Allele frequency attached by ClinVar (database versions not stated): gnomAD exomes 0.00015 and 0.00040; ExAC 0.00052; 1000 Genomes Project 0.00120; 1000 Genomes Project 30x 0.00141; gnomAD 0.00141 and 0.00150; ESP Exome Variant Server 0.00142; TOPMed 0.00168.
gnomAD v4.1: 444 of 1,613,700 alleles (0.028%); highest among the groups gnomAD compares: African/African-American, 0.52%; 1 homozygote.

Submissions (4):

CeGaT Center for Human Genetics Tuebingen
Classification: Likely benign. Last evaluated: 2026-02-01. Review status: criteria provided, single submitter. Criteria: CeGaT Center For Human Genetics Tuebingen Variant Classification Criteria Version 2. Collection method: clinical testing. Allele origin: germline. Affected: yes. Observed: 1 variant allele.
Comment: GEMIN4: BP4, BS2

Ambry Genetics
Classification: Uncertain significance. Last evaluated: 2025-08-05. Review status: criteria provided, single submitter. Criteria: Ambry Variant Classification Scheme 2023. Collection method: clinical testing. Allele origin: germline.

Blueprint Genetics
Classification: Likely benign. Last evaluated: 2024-09-18. Review status: criteria provided, single submitter. Criteria: ACMG Guidelines, 2015. Collection method: clinical testing. Allele origin: germline.

Labcorp Genetics (formerly Invitae), Labcorp
Classification: Likely benign. Last evaluated: 2019-12-31. Review status: criteria provided, single submitter. Criteria: Invitae Variant Classification Sherloc (09022015). Collection method: clinical testing. Allele origin: germline.

NM_015721.3(GEMIN4):c.943G>A (p.Val315Met)

Gene: GEMIN4 (gem nuclear organelle associated protein 4; minus strand). Cytogenetic location: 17p13.3.
Variant type: single nucleotide variant.
Coding change: c.943G>A on transcript NM_015721.3 (MANE Select); coding-DNA position 943, G replaced by A.
Protein change: p.Val315Met; replaces valine 315 with methionine.
Molecular consequence: missense variant.
Genome position (GRCh38, 1-based): chr17:747,100, C>T on the plus strand (G>A on the coding strand, the complement: GEMIN4 is on the minus strand). VCF-style: chr17-747100-C-T. GRCh37 (hg19) VCF-style: chr17-650340-C-T.
Other names: short protein forms V315M.
Identifiers: ClinVar variation 785546 (VCV000785546.10), dbSNP rs199897496, ClinGen allele CA8262761.